The following is an entry in ClinVar:

NM_004385.5(VCAN):c.5949A>G (p.Ile1983Met)

Genes: VCAN (versican; plus strand), VCAN-AS1 (VCAN antisense RNA 1; minus strand). Cytogenetic location: 5q14.3.
Variant type: single nucleotide variant.
Coding change: c.5949A>G on transcript NM_004385.5 (MANE Select); coding-DNA position 5949, A replaced by G.
Protein change: p.Ile1983Met; replaces isoleucine 1983 with methionine.
Molecular consequence: missense variant. On other transcripts: intron variant (2).
Genome position (GRCh38, 1-based): chr5:83,538,952, A>G. VCF-style: chr5-83538952-A-G. GRCh37 (hg19) VCF-style: chr5-82834771-A-G.
Other names: c.2988A>G, p.Ile996Met (NM_001164097.2); c.4004-6585A>G (NM_001164098.2); c.1043-6585A>G (NM_001126336.3); short protein forms I996M, I1983M.
Identifiers: ClinVar variation 2104538 (VCV002104538.4), dbSNP rs2112443638, ClinGen allele CA360311505.

ClinVar aggregate classification (germline): Uncertain significance (1 of 4 stars; one submission).

Submission:

Labcorp Genetics (formerly Invitae), Labcorp
Classification: Uncertain significance. Last evaluated: 2022-02-28. Review status: criteria provided, single submitter. Criteria: Invitae Variant Classification Sherloc (09022015). Collection method: clinical testing. Allele origin: germline.
Comment: This sequence change replaces isoleucine, which is neutral and non-polar, with methionine, which is neutral and non-polar, at codon 1983 of the VCAN protein (p.Ile1983Met). This variant is not present in population databases (gnomAD no frequency). This variant has not been reported in the literature in individuals affected with VCAN-related conditions. Algorithms developed to predict the effect of missense changes on protein structure and function output the following: SIFT: "Tolerated"; PolyPhen-2: "Benign"; Align-GVGD: "Class C0". The methionine amino acid residue is found in multiple mammalian species, which suggests that this missense change does not adversely affect protein function. In summary, the available evidence is currently insufficient to determine the role of this variant in disease. Therefore, it has been classified as a Variant of Uncertain Significance.